The following is an entry in ClinVar:

NM_001943.5(DSG2):c.1361A>C (p.Asp454Ala)

Gene: DSG2 (desmoglein 2; plus strand). Cytogenetic location: 18q12.1.
Variant type: single nucleotide variant.
Coding change: c.1361A>C on transcript NM_001943.5 (MANE Select); coding-DNA position 1361, A replaced by C.
Protein change: p.Asp454Ala; replaces aspartic acid 454 with alanine.
Molecular consequence: missense variant.
Genome position (GRCh38, 1-based): chr18:31,535,350, A>C. VCF-style: chr18-31535350-A-C. GRCh37 (hg19) VCF-style: chr18-29115313-A-C.
Other names: short protein forms D454A.
Identifiers: ClinVar variation 585295 (VCV000585295.2), dbSNP rs1567930368, ClinGen allele CA402140392.

ClinVar aggregate classification (germline): Uncertain significance (1 of 4 stars; one submission).

Conditions:
Familial isolated dilated cardiomyopathy. Identifiers: Orphanet 154, MedGen C5679590, MONDO:0700335, MONDO:0015470.

Allele frequency attached by ClinVar (database versions not stated): gnomAD exomes below 0.00001.
gnomAD v4.1: 1 of 1,611,492 alleles (0.000062%); highest among the groups gnomAD compares: Non-Finnish European, 0.000085%; no homozygotes.

Submission:

Center of Genomic medicine, Geneva, University Hospital of Geneva
Classification: Uncertain significance for Familial isolated dilated cardiomyopathy. Last evaluated: 2018-04-20. Review status: criteria provided, single submitter. Criteria: ACMG Guidelines, 2015. Collection method: clinical testing. Allele origin: maternal. Affected: yes. Observed: 1 variant allele.